The following is an entry in ClinVar:

ClinVar aggregate classification (germline): Likely benign (1 of 4 stars; one submission).

Submission:

CeGaT Center for Human Genetics Tuebingen
Classification: Likely benign. Last evaluated: 2024-06-01. Review status: criteria provided, single submitter. Criteria: CeGaT Center For Human Genetics Tuebingen Variant Classification Criteria Version 2. Collection method: clinical testing. Allele origin: germline. Affected: yes. Observed: 1 variant allele.
Comment: CACNA1A: PM2:Supporting, BP4, BP7

NM_001127222.2(CACNA1A):c.4473C>G (p.Val1491=)

Gene: CACNA1A (calcium voltage-gated channel subunit alpha1 A; minus strand). Cytogenetic location: 19p13.13.
Variant type: single nucleotide variant.
Coding change: c.4473C>G on transcript NM_001127222.2 (MANE Select); coding-DNA position 4473, C replaced by G.
Protein change: p.Val1491=; no amino-acid change (valine 1491 retained).
Molecular consequence: synonymous variant.
Genome position (GRCh38, 1-based): chr19:13,257,467, G>C on the plus strand (C>G on the coding strand, the complement: CACNA1A is on the minus strand). VCF-style: chr19-13257467-G-C. GRCh37 (hg19) VCF-style: chr19-13368281-G-C.
Other names: c.4485C>G, p.Val1495= (NM_000068.4, NM_023035.3); c.4476C>G, p.Val1492= (NM_001127221.2, NM_001174080.2).
Identifiers: ClinVar variation 3250591 (VCV003250591.18), dbSNP rs2056601435.